The following is an entry in ClinVar:

NM_000059.4(BRCA2):c.4597A>G (p.Lys1533Glu)

Gene: BRCA2 (BRCA2 DNA repair associated; plus strand). Cytogenetic location: 13q13.1.
Variant type: single nucleotide variant.
Coding change: c.4597A>G on transcript NM_000059.4 (MANE Select); coding-DNA position 4597, A replaced by G.
Protein change: p.Lys1533Glu; replaces lysine 1533 with glutamic acid.
Molecular consequence: missense variant.
Genome position (GRCh38, 1-based): chr13:32,338,952, A>G. VCF-style: chr13-32338952-A-G. GRCh37 (hg19) VCF-style: chr13-32913089-A-G.
Other names: short protein forms K1533E.
Identifiers: ClinVar variation 409475 (VCV000409475.15), dbSNP rs1060502418, ClinGen allele CA16614306.

ClinVar aggregate classification (germline): Conflicting classifications of pathogenicity. Review status: criteria provided, conflicting classifications (1 of 4 stars). 5 submissions from 5 submitters: Uncertain significance (4); Likely benign (1). Last evaluated 2025-06-20.

Conditions:
Hereditary breast ovarian cancer syndrome. Also called: Hereditary breast and ovarian cancer; Hereditary breast and/or ovarian cancer syndrome; BRCA1- and BRCA2-Associated Hereditary Breast and Ovarian Cancer; Hereditary breast and ovarian cancer syndrome; Hereditary breast and ovarian cancer syndrome (HBOC); Breast and ovarian cancer. Identifiers: Orphanet 145, MedGen C0677776, MeSH D061325, MONDO:0003582. Disease mechanism: loss of function.
Hereditary cancer-predisposing syndrome. Also called: Tumor predisposition; Hereditary Cancer Syndrome; Hereditary neoplastic syndrome; Neoplastic Syndromes, Hereditary. Identifiers: Orphanet 140162, MedGen C0027672, MeSH D009386, MONDO:0015356.
BRCA2-related cancer predisposition. Identifiers: MedGen CN377758, MONDO:0700269.

Allele frequency attached by ClinVar (database versions not stated): gnomAD exomes below 0.00001.
gnomAD v4.1: 1 of 1,613,890 alleles (0.000062%); highest among the groups gnomAD compares: Non-Finnish European, 0.000085%; no homozygotes.

Submissions (5):

Ambry Genetics
Classification: Uncertain significance for Hereditary cancer-predisposing syndrome. Last evaluated: 2025-06-20. Review status: criteria provided, single submitter. Criteria: Ambry Variant Classification Scheme 2023. Collection method: clinical testing. Allele origin: germline.
Comment: The p.K1533E variant (also known as c.4597A>G), located in coding exon 10 of the BRCA2 gene, results from an A to G substitution at nucleotide position 4597. The lysine at codon 1533 is replaced by glutamic acid, an amino acid with similar properties. This amino acid position is not well conserved in available vertebrate species. In addition, this alteration is predicted to be tolerated by in silico analysis. Based on the available evidence, the clinical significance of this variant remains unclear.

All of Us Research Program, National Institutes of Health
Classification: Uncertain significance for BRCA2-related cancer predisposition. Last evaluated: 2024-02-22. Review status: criteria provided, single submitter. Criteria: ACMG Guidelines, 2015. Collection method: clinical testing. Allele origin: germline. Inheritance: Autosomal dominant inheritance. Observed: 1 variant allele, 1 heterozygote.
Comment: This missense variant replaces lysine with glutamic acid at codon 1533 of the BRCA2 protein. Computational prediction suggests that this variant may not impact protein structure and function. This variant did not impact BRCA2-RAD51 interaction in a mammalian two-hybrid assay (PMID: 21601571). This variant has not been reported in individuals affected with BRCA2-related disorders in the literature, but has been reported in an unaffected individual (PMID: 33471991; Leiden Open Variation Database DB-ID BRCA2_008244). This variant has not been identified in the general population by the Genome Aggregation Database (gnomAD). The available evidence is insufficient to determine the role of this variant in disease conclusively. Therefore, this variant is classified as a Variant of Uncertain Significance.

This study involves interpretation of variants in research participants for the purpose of population health screening. Participant phenotype was not available at the time of variant classification. Additional details can be found in publication PMID: 35346344, PMCID: PMC8962531

University of Washington Department of Laboratory Medicine, University of Washington
Classification: Likely benign for Hereditary cancer-predisposing syndrome. Last evaluated: 2023-03-23. Review status: criteria provided, single submitter. Criteria: Dines et al. (Genet Med. 2020). Collection method: curation. Allele origin: germline.
Comment: Missense variant in a coldspot region where missense variants are very unlikely to be pathogenic (PMID:31911673).

BRCA2 exon 11 coldspot. Reclassification based on statistical prior probability.

Quest Diagnostics Nichols Institute San Juan Capistrano
Classification: Uncertain significance. Last evaluated: 2019-05-07. Review status: criteria provided, single submitter. Criteria: Quest Diagnostics criteria. Collection method: clinical testing. Allele origin: germline.

Labcorp Genetics (formerly Invitae), Labcorp
Classification: Uncertain significance for Hereditary breast ovarian cancer syndrome. Last evaluated: 2016-05-03. Review status: criteria provided, single submitter. Criteria: Invitae Variant Classification Sherloc (09022015). Collection method: clinical testing. Allele origin: germline.
Comment: This variant is not present in population databases (ExAC no frequency) and has not been reported in the literature in individuals with a BRCA2-related disease. This sequence change replaces lysine with glutamic acid at codon 1533 of the BRCA2 protein (p.Lys1533Glu). The lysine residue is weakly conserved and there is a small physicochemical difference between lysine and glutamic acid. In summary, this variant is a rare missense change that is not predicted to affect protein function. There is no indication that it causes disease, but the available evidence is currently insufficient to prove that conclusively. Therefore, it has been classified as a Variant of Uncertain Significance. Experimental studies have shown that this missense change does not significantly alter the interaction between BRCA2 and RAD51 in cell culture (PMID: 21601571).

Literature cited by the submitters: PubMed 21601571 (cited by 3 submitters); PubMed 33471991 (cited by All of Us Research Program, National Institutes of Health).